The following is an entry in ClinVar:

NM_206933.4(USH2A):c.5189A>G (p.Tyr1730Cys)

Genes: USH2A (usherin; minus strand), USH2A-AS2 (USH2A antisense RNA 2; plus strand). Cytogenetic location: 1q41.
Variant type: single nucleotide variant.
Coding change: c.5189A>G on transcript NM_206933.4 (MANE Select); coding-DNA position 5189, A replaced by G.
Protein change: p.Tyr1730Cys; replaces tyrosine 1730 with cysteine.
Molecular consequence: missense variant.
Genome position (GRCh38, 1-based): chr1:216,083,565, T>C on the plus strand (A>G on the coding strand, the complement: USH2A is on the minus strand). VCF-style: chr1-216083565-T-C. GRCh37 (hg19) VCF-style: chr1-216256907-T-C.
Other names: c.5189A>G (NM_206933.2); short protein forms Y1730C.
Identifiers: ClinVar variation 1366708 (VCV001366708.8), dbSNP rs375519871, ClinGen allele CA1395505.

ClinVar aggregate classification (germline): Uncertain significance. Review status: criteria provided, multiple submitters, no conflicts (2 of 4 stars). 6 submissions from 5 submitters: Uncertain significance (6). Last evaluated 2025-09-16.

Conditions:
Inborn genetic diseases. Identifiers: MedGen C0950123, MeSH D030342.
Retinitis pigmentosa 39 (RP39). Identifiers: Orphanet 791, MedGen C3151138, MONDO:0013436, OMIM 613809.
Usher syndrome type 2A. Also called: RETINAL DISEASE IN USHER SYNDROME TYPE IIA, MODIFIER OF; USHER SYNDROME, TYPE IIA. Identifiers: Orphanet 231178, Orphanet 886, MedGen C1848634, MONDO:0010169, OMIM 276901.

Allele frequency attached by ClinVar (database versions not stated): gnomAD 0.00001; gnomAD exomes 0.00001 and 0.00013; ExAC 0.00002; TOPMed 0.00004; ESP Exome Variant Server 0.00008.
gnomAD v4.1: 182 of 1,612,136 alleles (0.011%); highest among the groups gnomAD compares: Non-Finnish European, 0.015%; no homozygotes.

Submissions (6):

GeneDx
Classification: Uncertain significance. Last evaluated: 2025-09-16. Review status: criteria provided, single submitter. Criteria: GeneDx Variant Classification Process June 2021. Collection method: clinical testing. Allele origin: germline.
Comment: Not observed at significant frequency in large population cohorts (gnomAD); In silico analysis suggests that this missense variant does not alter protein structure/function; Has not been previously published as pathogenic or benign to our knowledge

Labcorp Genetics (formerly Invitae), Labcorp
Classification: Uncertain significance. Last evaluated: 2024-09-21. Review status: criteria provided, single submitter. Criteria: Invitae Variant Classification Sherloc (09022015). Collection method: clinical testing. Allele origin: germline.
Comment: This sequence change replaces tyrosine, which is neutral and polar, with cysteine, which is neutral and slightly polar, at codon 1730 of the USH2A protein (p.Tyr1730Cys). This variant is present in population databases (rs375519871, gnomAD 0.004%). This variant has not been reported in the literature in individuals affected with USH2A-related conditions. ClinVar contains an entry for this variant (Variation ID: 1366708). Invitae Evidence Modeling of protein sequence and biophysical properties (such as structural, functional, and spatial information, amino acid conservation, physicochemical variation, residue mobility, and thermodynamic stability) indicates that this missense variant is not expected to disrupt USH2A protein function with a negative predictive value of 95%. In summary, the available evidence is currently insufficient to determine the role of this variant in disease. Therefore, it has been classified as a Variant of Uncertain Significance.

Blueprint Genetics
Classification: Uncertain significance. Last evaluated: 2024-07-17. Review status: criteria provided, single submitter. Criteria: ACMG Guidelines, 2015. Collection method: clinical testing. Allele origin: germline.

Genome-Nilou Lab
Classification: Uncertain significance for Retinitis pigmentosa 39. Last evaluated: 2023-11-04. Review status: criteria provided, single submitter. Criteria: ACMG Guidelines, 2015. Collection method: clinical testing. Allele origin: germline. Affected: no.

Genome-Nilou Lab
Classification: Uncertain significance for Usher syndrome type 2A. Last evaluated: 2023-11-04. Review status: criteria provided, single submitter. Criteria: ACMG Guidelines, 2015. Collection method: clinical testing. Allele origin: germline. Affected: no.

Ambry Genetics
Classification: Uncertain significance for Inborn genetic diseases. Last evaluated: 2021-09-15. Review status: criteria provided, single submitter. Criteria: Ambry Variant Classification Scheme 2023. Collection method: clinical testing. Allele origin: germline.